The following is an entry in ClinVar:

NM_001292034.3(TAB2):c.597T>G (p.Gly199=)

Gene: TAB2 (TGF-beta activated kinase 1 (MAP3K7) binding protein 2; plus strand). Cytogenetic location: 6q25.1.
Variant type: single nucleotide variant.
Coding change: c.597T>G on transcript NM_001292034.3 (MANE Select); coding-DNA position 597, T replaced by G.
Protein change: p.Gly199=; no amino-acid change (glycine 199 retained).
Molecular consequence: synonymous variant.
Genome position (GRCh38, 1-based): chr6:149,378,512, T>G. VCF-style: chr6-149378512-T-G. GRCh37 (hg19) VCF-style: chr6-149699648-T-G.
Other names: c.597T>G (NM_015093.5); c.501T>G, p.Gly167= (NM_001292035.3); c.597T>G, p.Gly199= (NM_001369506.1, NM_015093.6).
Identifiers: ClinVar variation 1300827 (VCV001300827.13), dbSNP rs115168915, ClinGen allele CA4041424.

ClinVar aggregate classification (germline): Likely benign. Review status: criteria provided, multiple submitters, no conflicts (2 of 4 stars). 5 submissions from 5 submitters: Likely benign (4). 1 of the submissions does not count toward it. Last evaluated 2026-07-01.

Conditions:
TAB2-related disorder.

Allele frequency attached by ClinVar (database versions not stated): gnomAD exomes 0.00010; ExAC 0.00013; 1000 Genomes Project 0.00040; ESP Exome Variant Server 0.00046; 1000 Genomes Project 30x 0.00047; gnomAD 0.00049 and 0.00055; TOPMed 0.00063.
gnomAD v4.1: 142 of 1,614,168 alleles (0.0088%); highest among the groups gnomAD compares: African/African-American, 0.15%; no homozygotes.

Submissions (5):

CeGaT Center for Human Genetics Tuebingen
Classification: Likely benign. Last evaluated: 2026-07-01. Review status: criteria provided, single submitter. Criteria: CeGaT Center For Human Genetics Tuebingen Variant Classification Criteria Version 2. Collection method: clinical testing. Allele origin: germline. Affected: yes. Observed: 1 variant allele.
Comment: TAB2: BP4, BP7, BS1

Labcorp Genetics (formerly Invitae), Labcorp
Classification: Likely benign. Last evaluated: 2025-11-20. Review status: criteria provided, single submitter. Criteria: Invitae Variant Classification Sherloc (09022015). Collection method: clinical testing. Allele origin: germline.

Blueprint Genetics
Classification: Likely benign. Last evaluated: 2022-02-21. Review status: criteria provided, single submitter. Criteria: ACMG Guidelines, 2015. Collection method: clinical testing. Allele origin: germline.

GeneDx
Classification: Likely benign. Last evaluated: 2020-09-23. Review status: criteria provided, single submitter. Criteria: GeneDx Variant Classification Process June 2021. Collection method: clinical testing. Allele origin: germline. Affected: yes.

PreventionGenetics, part of Exact Sciences
Classification: Likely benign for TAB2-related condition. Last evaluated: 2019-09-13. Review status: no assertion criteria provided. Collection method: clinical testing. Allele origin: germline. Not counted in ClinVar's aggregate classification.
Comment: This variant is classified as likely benign based on ACMG/AMP sequence variant interpretation guidelines (Richards et al. 2015 PMID: 25741868, with internal and published modifications).